The following is an entry in ClinVar:

ClinVar aggregate classification (germline): Uncertain significance. Review status: criteria provided, multiple submitters, no conflicts (2 of 4 stars). 2 submissions from 2 submitters: Uncertain significance (2). Last evaluated 2024-07-17.

Conditions:
Hereditary cancer-predisposing syndrome. Also called: Tumor predisposition; Hereditary Cancer Syndrome; Hereditary neoplastic syndrome; Neoplastic Syndromes, Hereditary. Identifiers: Orphanet 140162, MedGen C0027672, MeSH D009386, MONDO:0015356.
POLD1-related polyposis and colorectal cancer syndrome (CRCS10). Also called: Colorectal cancer 10; COLORECTAL CANCER, SUSCEPTIBILITY TO, ON CHROMOSOME 19q; Colorectal cancer, susceptibility to, 10. Identifiers: Orphanet 220460, MedGen C2675481, MONDO:0012953, OMIM 612591.

Submissions (2):

Labcorp Genetics (formerly Invitae), Labcorp
Classification: Uncertain significance for POLD1-related polyposis and colorectal cancer syndrome. Last evaluated: 2024-07-17. Review status: criteria provided, single submitter. Criteria: Invitae Variant Classification Sherloc (09022015). Collection method: clinical testing. Allele origin: germline.
Comment: This sequence change replaces aspartic acid, which is acidic and polar, with asparagine, which is neutral and polar, at codon 257 of the POLD1 protein (p.Asp257Asn). This variant is not present in population databases (gnomAD no frequency). This variant has not been reported in the literature in individuals affected with POLD1-related conditions. ClinVar contains an entry for this variant (Variation ID: 1051884). Advanced modeling of protein sequence and biophysical properties (such as structural, functional, and spatial information, amino acid conservation, physicochemical variation, residue mobility, and thermodynamic stability) performed at Invitae indicates that this missense variant is expected to disrupt POLD1 protein function with a positive predictive value of 80%. In summary, the available evidence is currently insufficient to determine the role of this variant in disease. Therefore, it has been classified as a Variant of Uncertain Significance.

Ambry Genetics
Classification: Uncertain significance for Hereditary cancer-predisposing syndrome. Last evaluated: 2022-08-24. Review status: criteria provided, single submitter. Criteria: Ambry Variant Classification Scheme 2023. Collection method: clinical testing. Allele origin: germline.
Comment: The p.D257N variant (also known as c.769G>A), located in coding exon 6 of the POLD1 gene, results from a G to A substitution at nucleotide position 769. The aspartic acid at codon 257 is replaced by asparagine, an amino acid with highly similar properties. This amino acid position is conserved. In addition, this alteration is predicted to be tolerated by in silico analysis. Since supporting evidence is limited at this time, the clinical significance of this alteration remains unclear.

NM_002691.4(POLD1):c.769G>A (p.Asp257Asn)

Gene: POLD1 (DNA polymerase delta 1, catalytic subunit; plus strand). Cytogenetic location: 19q13.33.
Variant type: single nucleotide variant.
Coding change: c.769G>A on transcript NM_002691.4 (MANE Select); coding-DNA position 769, G replaced by A.
Protein change: p.Asp257Asn; replaces aspartic acid 257 with asparagine.
Molecular consequence: missense variant. On other transcripts: non-coding transcript variant (1).
Genome position (GRCh38, 1-based): chr19:50,402,464, G>A. VCF-style: chr19-50402464-G-A. GRCh37 (hg19) VCF-style: chr19-50905721-G-A.
Other names: c.769G>A, p.Asp257Asn (NM_001256849.1, NM_001308632.1); short protein forms D257N.
Identifiers: ClinVar variation 1051884 (VCV001051884.11), dbSNP rs2122249370, ClinGen allele CA406974803.